The following is an entry in ClinVar:

NM_000214.3(JAG1):c.1657G>T (p.Glu553Ter)

Gene: JAG1 (jagged canonical Notch ligand 1; minus strand). Cytogenetic location: 20p12.2.
Variant type: single nucleotide variant.
Coding change: c.1657G>T on transcript NM_000214.3 (MANE Select); coding-DNA position 1657, G replaced by T.
Protein change: p.Glu553Ter; replaces glutamic acid 553 with a stop codon.
Molecular consequence: nonsense.
Genome position (GRCh38, 1-based): chr20:10,648,023, C>A on the plus strand (G>T on the coding strand, the complement: JAG1 is on the minus strand). VCF-style: chr20-10648023-C-A. GRCh37 (hg19) VCF-style: chr20-10628671-C-A.
Other names: short protein forms E553*.
Identifiers: ClinVar variation 942719 (VCV000942719.3), dbSNP rs759763539, ClinGen allele CA408236840.
Genomic context (GRCh38, chr20:10,648,023, plus strand): 5'-CACAGGGGGTCGTGCGGCAGTGGTCTTTCAGGTGTGAGCAGTTCTTGCCCTCATAGTCCT[C>A]GGGGCACTTGCAGAAATAGTCACTGGCACGGTTGTAGCACTGGGCACCGTTCTGGCAGGG-3'

ClinVar aggregate classification (germline): Pathogenic (1 of 4 stars; one submission).

Conditions:
Alagille syndrome due to a JAG1 point mutation. Also called: JAG1-Related Alagille Syndrome; Alagille Syndrome 1; HEPATIC DUCTULAR HYPOPLASIA, SYNDROMATIC. Identifiers: Orphanet 261619, Orphanet 52, MedGen C1956125, MONDO:0016862, OMIM 118450.

Submission:

Labcorp Genetics (formerly Invitae), Labcorp
Classification: Pathogenic for Alagille syndrome due to a JAG1 point mutation. Last evaluated: 2024-08-31. Review status: criteria provided, single submitter. Criteria: Invitae Variant Classification Sherloc (09022015). Collection method: clinical testing. Allele origin: germline.
Comment: This sequence change creates a premature translational stop signal (p.Glu553*) in the JAG1 gene. It is expected to result in an absent or disrupted protein product. Loss-of-function variants in JAG1 are known to be pathogenic (PMID: 11180599). This variant is not present in population databases (gnomAD no frequency). This premature translational stop signal has been observed in individual(s) with Alagille syndrome (PMID: 11180599). In at least one individual the variant was observed to be de novo. ClinVar contains an entry for this variant (Variation ID: 942719). For these reasons, this variant has been classified as Pathogenic.

Literature cited by the submitters: PubMed 11180599.